The following is an entry in ClinVar:

ClinVar aggregate classification (germline): Uncertain significance (1 of 4 stars; one submission).

Conditions:
Fanconi anemia (FA). Also called: Fanconi's anemia. Identifiers: Orphanet 84, MedGen C0015625, MeSH D005199, MONDO:0019391.

Submission:

Labcorp Genetics (formerly Invitae), Labcorp
Classification: Uncertain significance for Fanconi anemia. Last evaluated: 2025-08-17. Review status: criteria provided, single submitter. Criteria: Invitae Variant Classification Sherloc (09022015). Collection method: clinical testing. Allele origin: germline.
Comment: This sequence change falls in intron 13 of the FANCC gene. It does not directly change the encoded amino acid sequence of the FANCC protein. It affects a nucleotide within the consensus splice site. This variant is not present in population databases (gnomAD no frequency). This variant has not been reported in the literature in individuals affected with FANCC-related conditions. Variants that disrupt the consensus splice site are a relatively common cause of aberrant splicing (PMID: 17576681, 9536098). Algorithms developed to predict the effect of sequence changes on RNA splicing suggest that this variant may disrupt the consensus splice site. In summary, the available evidence is currently insufficient to determine the role of this variant in disease. Therefore, it has been classified as a Variant of Uncertain Significance.

Literature cited by the submitters: PubMed 17576681; PubMed 9536098.

NM_000136.3(FANCC):c.1330-3C>G

Genes: AOPEP (aminopeptidase O (putative); plus strand), FANCC (FA complementation group C; minus strand). Cytogenetic location: 9q22.32.
Variant type: single nucleotide variant.
Coding change: c.1330-3C>G on transcript NM_000136.3 (MANE Select); 3 bases into the intron before coding-DNA position 1330, C replaced by G.
Molecular consequence: intron variant.
Genome position (GRCh38, 1-based): chr9:95,107,272, G>C on the plus strand (C>G on the coding strand, the complement: FANCC is on the minus strand). VCF-style: chr9-95107272-G-C. GRCh37 (hg19) VCF-style: chr9-97869554-G-C.
Other names: c.1330-3C>G (NM_001243743.2).
Identifiers: ClinVar variation 4798546 (VCV004798546.1).